The following is an entry in ClinVar:

NM_014319.5(LEMD3):c.1057C>A (p.Pro353Thr)

Gene: LEMD3 (LEM domain containing 3; plus strand). Cytogenetic location: 12q14.3.
Variant type: single nucleotide variant.
Coding change: c.1057C>A on transcript NM_014319.5 (MANE Select); coding-DNA position 1057, C replaced by A.
Protein change: p.Pro353Thr; replaces proline 353 with threonine.
Molecular consequence: missense variant.
Genome position (GRCh38, 1-based): chr12:65,170,653, C>A. VCF-style: chr12-65170653-C-A. GRCh37 (hg19) VCF-style: chr12-65564433-C-A.
Other names: c.1057C>A, p.Pro353Thr (NM_001167614.2); short protein forms P353T.
Identifiers: ClinVar variation 2820323 (VCV002820323.3), dbSNP rs2498940221, ClinGen allele CA385674915.
Genomic context (GRCh38, chr12:65,170,653, plus strand): 5'-AACCTCGAAGAGGCGGCGGCCGCGGAGCAGGGAGGAGGGTGTGATCAAGTGGACTCCAGC[C>A]CCGTTCCTAGATACCGTGTTAACGCTAAGAAACTGACCCCTCTCCTGCCCCCGCCACTTA-3'
Protein context (NP_055134.2, residues 343-363): GGGCDQVDSS[Pro353Thr]VPRYRVNAKK

ClinVar aggregate classification (germline): Uncertain significance (1 of 4 stars; one submission).

Submission:

Labcorp Genetics (formerly Invitae), Labcorp
Classification: Uncertain significance. Last evaluated: 2023-04-09. Review status: criteria provided, single submitter. Criteria: Invitae Variant Classification Sherloc (09022015). Collection method: clinical testing. Allele origin: germline.
Comment: This sequence change replaces proline, which is neutral and non-polar, with threonine, which is neutral and polar, at codon 353 of the LEMD3 protein (p.Pro353Thr). This variant is not present in population databases (gnomAD no frequency). This variant has not been reported in the literature in individuals affected with LEMD3-related conditions. Advanced modeling of protein sequence and biophysical properties (such as structural, functional, and spatial information, amino acid conservation, physicochemical variation, residue mobility, and thermodynamic stability) performed at Invitae indicates that this missense variant is not expected to disrupt LEMD3 protein function. In summary, the available evidence is currently insufficient to determine the role of this variant in disease. Therefore, it has been classified as a Variant of Uncertain Significance.